The following is an entry in ClinVar:

NM_000719.7(CACNA1C):c.6329dup (p.Glu2111fs)

Genes: CACNA1C (calcium voltage-gated channel subunit alpha1 C; plus strand), CACNA1C-AS1 (CACNA1C antisense RNA 1; minus strand). Cytogenetic location: 12p13.33.
Variant type: Duplication.
Coding change: c.6329dup on transcript NM_000719.7 (MANE Select); coding-DNA position 6329, one base duplicated (G; older notation c.6329dupG).
Protein change: p.Glu2111fs; shifts the reading frame from glutamic acid 2111.
Molecular consequence: frameshift variant. On other transcripts: non-coding transcript variant (1).
Genome position (GRCh38, 1-based): chr12:2,691,111, G duplicated; the last of 5 consecutive G bases (chr12:2,691,107-2,691,111); duplicating any one gives the same sequence. VCF-style (leftmost placement, unchanged base first): chr12-2691106-C-CG. GRCh37 (hg19) VCF-style: chr12-2800272-C-CG.
Other names: NM_199460.2:c.6578dupG; p.Glu2194ArgfsX15; c.6329dup (NM_000719.6); c.6473dup, p.Glu2159fs (NM_001129827.2); c.6452dup, p.Glu2152fs (NM_001129829.2); c.6434dup, p.Glu2146fs (NM_001129830.3, NM_001167624.3); c.6413dup, p.Glu2139fs (NM_001129831.2); c.6389dup, p.Glu2131fs (NM_001129832.2); and 9 more; short protein forms E2100fs, E2117fs, E2130fs, E2152fs, E2171fs, E2119fs, E2128fs, E2131fs.
Identifiers: ClinVar variation 190695 (VCV000190695.17), dbSNP rs771708175, ClinGen allele CA301696.
Genomic context (GRCh38, chr12:2,691,106, plus strand): 5'-GAGCCCCAATGGCGCCCTCTTACCCTTTGTGAACTGCAGGGACGCGGGGCAGGACCGAGC[C>CG]GGGGGCGAAGAGGACGCGGGCTGTGTGCGCGCGCGGGGTCGACCGAGTGAGGAGGAGCTC-3'

ClinVar aggregate classification (germline): Uncertain significance. Review status: criteria provided, multiple submitters, no conflicts (2 of 4 stars). 6 submissions from 6 submitters: Uncertain significance (6). Last evaluated 2026-02-26.

Conditions:
Brugada syndrome 3 (BRGDA3). Identifiers: Orphanet 130, MedGen C2678478, MONDO:0012742, OMIM 611875.
Long QT syndrome 8. Identifiers: MedGen CN260585, MONDO:0032756, OMIM 618447.
Timothy syndrome (TS). Also called: LONG QT SYNDROME WITH SYNDACTYLY. Identifiers: Orphanet 65283, MedGen C1832916, MeSH C536962, MONDO:0010979, OMIM 601005.
CACNA1C-related disorder. Also called: CACNA1C-related disorders; CACNA1C-related condition. Identifiers: MedGen CN381092, MONDO:0700321.
Cardiovascular phenotype. Identifiers: MedGen CN230736.
Long QT syndrome (LQTS). Identifiers: MedGen C0023976, MeSH D008133, MONDO:0002442. Disease mechanism: loss of function. Inheritance: Various modes of inheritance.

Submissions (6):

PreventionGenetics, part of Exact Sciences
Classification: Uncertain significance for CACNA1C-related condition. Last evaluated: 2026-02-26. Review status: criteria provided, single submitter. Criteria: ACMG Guidelines, 2015. Collection method: clinical testing. Allele origin: germline.
Comment: The CACNA1C c.6329dupG variant is predicted to result in a frameshift and premature protein termination (p.Glu2111Argfs*15). This variant resides in the final exon of this gene, and it is unclear if the resulting mRNA would undergo nonsense-mediated decay. This variant has been reported as a variant of uncertain significance in a cohort of individuals referred for genetic testing of cardiomyopathy and/or arrhythmia; however, detailed clinical information was not available (Supplement 2, Dellefave-Castillo et al. 2022. PubMed ID: 35947370). This variant is reported in 0.0018% of alleles in individuals of European (Non-Finnish) descent in gnomAD. At this time, the clinical significance of this variant is uncertain due to the absence of conclusive functional and genetic evidence.

Labcorp Genetics (formerly Invitae), Labcorp
Classification: Uncertain significance for Long QT syndrome. Last evaluated: 2025-12-26. Review status: criteria provided, single submitter. Criteria: Invitae Variant Classification Sherloc (09022015). Collection method: clinical testing. Allele origin: germline.
Comment: This sequence change creates a premature translational stop signal (p.Glu2111Argfs*15) in the CACNA1C gene. While this is not anticipated to result in nonsense mediated decay, it is expected to disrupt the last 28 amino acid(s) of the CACNA1C protein. This variant is present in population databases (rs771708175, gnomAD 0.004%). This variant has not been reported in the literature in individuals affected with CACNA1C-related conditions. ClinVar contains an entry for this variant (Variation ID: 190695). In summary, the available evidence is currently insufficient to determine the role of this variant in disease. Therefore, it has been classified as a Variant of Uncertain Significance.

Ambry Genetics
Classification: Uncertain significance for Cardiovascular phenotype. Last evaluated: 2023-02-14. Review status: criteria provided, single submitter. Criteria: Ambry Variant Classification Scheme 2023. Collection method: clinical testing. Allele origin: germline.
Comment: The c.6329dupG variant, located in coding exon 47 of the CACNA1C gene, results from a duplication of G at nucleotide position 6329, causing a translational frameshift with a predicted alternate stop codon (p.E2111Rfs*15). This alteration occurs at the 3' terminus of theCACNA1C gene, is not expected to trigger nonsense-mediated mRNAdecay, and only impacts the last 1% of the protein. The exact functional effect of this alteration is unknown. According to data from gnomAD, the frequency for this variant is above the maximum credible frequency for a cardiac disease-causing variant in this gene based on internally established thresholds (Karczewski et al. Nature. 2020 May;581(7809):434-443; Whiffin et al. Genet Med. 2017 10;19:1151-1158). Based on the supporting evidence, the association of this alteration with CACNA1C-related neurodevelopmental disorder is unknown; however, the association with CACNA1C-related Timothy syndrome or long QT syndrome is unlikely.

AiLife Diagnostics
Classification: Uncertain significance. Last evaluated: 2021-11-21. Review status: criteria provided, single submitter. Criteria: ACMG Guidelines, 2015. Collection method: clinical testing. Allele origin: germline. Affected: yes. Observed: 1 variant allele.

Fulgent Genetics
Classification: Uncertain significance for Timothy syndrome; Brugada syndrome 3; Long QT syndrome 8. Last evaluated: 2021-10-17. Review status: criteria provided, single submitter. Criteria: ACMG Guidelines, 2015. Collection method: clinical testing. Allele origin: unknown.

Laboratory for Molecular Medicine, Mass General Brigham Personalized Medicine
Classification: Uncertain significance. Last evaluated: 2016-04-25. Review status: criteria provided, single submitter. Criteria: LMM Criteria. Collection method: clinical testing. Allele origin: germline.
Comment: Variant identified in a genome or exome case(s) and assessed due to predicted null impact of the variant or pathogenic assertions in the literature or databases. Disclaimer: This variant has not undergone full assessment. The following are preliminary notes: LOF not a known disease mechanism for CACNA1C ; ExAC: 2/57170 European chromosomes